The following is an entry in ClinVar:

NM_006371.5(CRTAP):c.471+2C>T

Gene: CRTAP (cartilage associated protein; plus strand). Cytogenetic location: 3p22.3.
Variant type: single nucleotide variant.
Coding change: c.471+2C>T on transcript NM_006371.5 (MANE Select); the canonical splice donor site of the intron after coding-DNA position 471, C replaced by T.
Molecular consequence: splice donor variant.
Genome position (GRCh38, 1-based): chr3:33,114,550, C>T. VCF-style: chr3-33114550-C-T. GRCh37 (hg19) VCF-style: chr3-33156042-C-T.
Other names: c.471+2C>T (NM_001393363.1, NM_001393364.1, NM_001393365.1).
Identifiers: ClinVar variation 847469 (VCV000847469.5), dbSNP rs137853943, ClinGen allele CA352008924.

ClinVar aggregate classification (germline): Conflicting classifications of pathogenicity. Review status: criteria provided, conflicting classifications (1 of 4 stars). 2 submissions from 2 submitters: Pathogenic (1); Uncertain significance (1). Last evaluated 2024-02-14.

Conditions:
Osteogenesis imperfecta type 7 (OI7). Also called: Osteogenesis imperfecta type 2B; OI type 2B; Osteogenesis imperfecta, perinatal lethal autosomal recessive; OI type IIB; OSTEOGENESIS IMPERFECTA, TYPE IIB; OI type 7. Identifiers: MedGen C1853162, MONDO:0012536, OMIM 610682.

Allele frequency attached by ClinVar (database versions not stated): TOPMed 0.00001.
gnomAD v4.1: 13 of 1,580,606 alleles (0.00082%); highest among the groups gnomAD compares: East Asian, 0.0023%; no homozygotes.

Submissions (2):

Fulgent Genetics
Classification: Pathogenic for Osteogenesis imperfecta type 7. Last evaluated: 2024-02-14. Review status: criteria provided, single submitter. Criteria: ACMG Guidelines, 2015. Collection method: clinical testing. Allele origin: germline.

Labcorp Genetics (formerly Invitae), Labcorp
Classification: Uncertain significance for Osteogenesis imperfecta type 7. Last evaluated: 2021-09-01. Review status: criteria provided, single submitter. Criteria: Invitae Variant Classification Sherloc (09022015). Collection method: clinical testing. Allele origin: germline.
Comment: This sequence change falls in intron 1 of the CRTAP gene. It does not directly change the encoded amino acid sequence of the CRTAP protein. It affects a nucleotide within the consensus splice site of the intron. The frequency data for this variant in the population databases is considered unreliable, as metrics indicate insufficient coverage at this position in the ExAC database. This variant has not been reported in the literature in individuals affected with CRTAP-related conditions. Variants that disrupt the consensus splice site are a relatively common cause of aberrant splicing (PMID: 17576681, 9536098). Algorithms developed to predict the effect of sequence changes on RNA splicing suggest that this variant may create or strengthen a splice site. This variant disrupts the c.471+2C nucleotide in the CRTAP gene. Other variant(s) that disrupt this nucleotide have been determined to be pathogenic (PMID: 18996919, 19550437). This suggests that this nucleotide is clinically significant, and that variants that disrupt this position are likely to be disease-causing. In summary, the available evidence is currently insufficient to determine the role of this variant in disease. Therefore, it has been classified as a Variant of Uncertain Significance.

Literature cited by the submitters: PubMed 17576681 (cited by Labcorp Genetics (formerly Invitae), Labcorp); PubMed 9536098 (cited by Labcorp Genetics (formerly Invitae), Labcorp); PubMed 18996919 (cited by Labcorp Genetics (formerly Invitae), Labcorp); PubMed 19550437 (cited by Labcorp Genetics (formerly Invitae), Labcorp).